The following is an entry in ClinVar:

ClinVar aggregate classification (germline): Pathogenic (1 of 4 stars; one submission).

Conditions:
Hereditary cancer-predisposing syndrome. Also called: Tumor predisposition; Hereditary neoplastic syndrome; Neoplastic Syndromes, Hereditary; Hereditary Cancer Syndrome. Identifiers: Orphanet 140162, MedGen C0027672, MeSH D009386, MONDO:0015356.

Submission:

Labcorp Genetics (formerly Invitae), Labcorp
Classification: Pathogenic for Hereditary cancer-predisposing syndrome. Last evaluated: 2021-10-09. Review status: criteria provided, single submitter. Criteria: Invitae Variant Classification Sherloc (09022015). Collection method: clinical testing. Allele origin: germline.
Comment: This variant is not present in population databases (ExAC no frequency). For these reasons, this variant has been classified as Pathogenic. Loss-of-function variants in RAD50 are known to be pathogenic (PMID: 16385572, 19409520). This variant has not been reported in the literature in individuals with RAD50-related conditions. This sequence change creates a premature translational stop signal (p.Ile954Metfs*4) in the RAD50 gene. It is expected to result in an absent or disrupted protein product.

Literature cited by the submitters: PubMed 16385572; PubMed 19409520.

NM_005732.4(RAD50):c.2862_2865del (p.Ile954fs)

Gene: RAD50 (RAD50 double strand break repair protein; plus strand). Cytogenetic location: 5q31.1.
Variant type: Deletion.
Coding change: c.2862_2865del on transcript NM_005732.4 (MANE Select); coding-DNA positions 2862 to 2865, 4 bases deleted (TCAT; older notation c.2862_2865delTCAT).
Protein change: p.Ile954fs; shifts the reading frame from isoleucine 954.
Molecular consequence: frameshift variant.
Genome position (GRCh38, 1-based): chr5:132,609,149-132,609,152, TCAT deleted; deleting any 4 consecutive bases within chr5:132,609,147-132,609,152 gives the same sequence; the c. name uses the placement nearest the transcript's 3' end. VCF-style (leftmost placement, unchanged base first): chr5-132609146-TATTC-T. GRCh37 (hg19) VCF-style: chr5-131944838-TATTC-T.
Other names: short protein forms I954fs.
Identifiers: ClinVar variation 858436 (VCV000858436.8), dbSNP rs1751037826, ClinGen allele CA916082770.